The following is an entry in ClinVar:

ClinVar aggregate classification (germline): Uncertain significance. Review status: criteria provided, multiple submitters, no conflicts (2 of 4 stars). 5 submissions from 5 submitters: Uncertain significance (5). Last evaluated 2024-09-13.

Conditions:
Chédiak-Higashi syndrome (CHS). Also called: Chediak-Higashi Syndrome. Identifiers: Orphanet 167, MedGen C0007965, MONDO:0008963, OMIM 214500.
Inborn genetic diseases. Identifiers: MedGen C0950123, MeSH D030342.

Allele frequency attached by ClinVar (database versions not stated): TOPMed 0.00008; gnomAD 0.00015; gnomAD exomes 0.00018; ExAC 0.00057.
gnomAD v4.1: 307 of 1,608,906 alleles (0.019%); highest among the groups gnomAD compares: Non-Finnish European, 0.017%; 1 homozygote.

Submissions (5):

Blueprint Genetics
Classification: Uncertain significance. Last evaluated: 2024-09-13. Review status: criteria provided, single submitter. Criteria: ACMG Guidelines, 2015. Collection method: clinical testing. Allele origin: germline.

Women's Health and Genetics/Laboratory Corporation of America, LabCorp
Classification: Uncertain significance. Last evaluated: 2024-05-03. Review status: criteria provided, single submitter. Criteria: LabCorp Variant Classification Summary - May 2015. Collection method: clinical testing. Allele origin: germline.
Comment: Variant summary: LYST c.7385C>A (p.Ala2462Glu) results in a non-conservative amino acid change in the encoded protein sequence. Four of five in-silico tools predict a damaging effect of the variant on protein function. The variant allele was found at a frequency of 0.00037 in 250924 control chromosomes. This frequency is not significantly higher than estimated for a pathogenic variant in LYST causing Chediak-Higashi Syndrome (0.00037 vs 0.0011), allowing no conclusion about variant significance. c.7385C>A has been reported in the literature in individuals affected with thrombocytopenia or an undifferentiated monogenic autoinflammatory disease without reported genotype or strong evidence for causality (e.g. FagerFerrari_2018, Alexeeva_2023). These reports do not provide unequivocal conclusions about association of the variant with Chediak-Higashi Syndrome. To our knowledge, no experimental evidence demonstrating an impact on protein function has been reported. The following publications have been ascertained in the context of this evaluation (PMID: 38034538, 28399723). ClinVar contains an entry for this variant (Variation ID: 296381). Based on the evidence outlined above, the variant was classified as uncertain significance.

Mayo Clinic Laboratories, Mayo Clinic
Classification: Uncertain significance. Last evaluated: 2023-08-30. Review status: criteria provided, single submitter. Criteria: ACMG Guidelines, 2015. Collection method: clinical testing. Allele origin: germline. Observed: 1 variant allele.

Labcorp Genetics (formerly Invitae), Labcorp
Classification: Uncertain significance for Chédiak-Higashi syndrome. Last evaluated: 2022-10-17. Review status: criteria provided, single submitter. Criteria: Invitae Variant Classification Sherloc (09022015). Collection method: clinical testing. Allele origin: germline.
Comment: This sequence change replaces alanine, which is neutral and non-polar, with glutamic acid, which is acidic and polar, at codon 2462 of the LYST protein (p.Ala2462Glu). This variant is present in population databases (rs201821563, gnomAD 0.09%). This variant has not been reported in the literature in individuals affected with LYST-related conditions. ClinVar contains an entry for this variant (Variation ID: 296381). Advanced modeling of protein sequence and biophysical properties (such as structural, functional, and spatial information, amino acid conservation, physicochemical variation, residue mobility, and thermodynamic stability) performed at Invitae indicates that this missense variant is not expected to disrupt LYST protein function. In summary, the available evidence is currently insufficient to determine the role of this variant in disease. Therefore, it has been classified as a Variant of Uncertain Significance.

Ambry Genetics
Classification: Uncertain significance for Inborn genetic diseases. Last evaluated: 2021-07-13. Review status: criteria provided, single submitter. Criteria: Ambry Variant Classification Scheme 2023. Collection method: clinical testing. Allele origin: germline.

Literature cited by the submitters: PubMed 28399723 (cited by Women's Health and Genetics/Laboratory Corporation of America, LabCorp); PubMed 38034538 (cited by Women's Health and Genetics/Laboratory Corporation of America, LabCorp).

NM_000081.4(LYST):c.7385C>A (p.Ala2462Glu)

Gene: LYST (lysosomal trafficking regulator; minus strand). Cytogenetic location: 1q42.3.
Variant type: single nucleotide variant.
Coding change: c.7385C>A on transcript NM_000081.4 (MANE Select); coding-DNA position 7385, C replaced by A.
Protein change: p.Ala2462Glu; replaces alanine 2462 with glutamic acid.
Molecular consequence: missense variant.
Genome position (GRCh38, 1-based): chr1:235,753,119, G>T on the plus strand (C>A on the coding strand, the complement: LYST is on the minus strand). VCF-style: chr1-235753119-G-T. GRCh37 (hg19) VCF-style: chr1-235916419-G-T.
Other names: p.Ala2462Glu; c.7385C>A, p.Ala2462Glu (NM_001301365.1); c.7385C>A (NM_000081.2); short protein forms A2462E.
Identifiers: ClinVar variation 296381 (VCV000296381.11), dbSNP rs201821563, ClinGen allele CA1466153.